The following is an entry in ClinVar:

ClinVar aggregate classification (germline): Uncertain significance. Review status: reviewed by expert panel (3 of 4 stars). 3 submissions from 3 submitters: Uncertain significance (1). 2 of the submissions do not count toward it. Last evaluated 2025-08-01.

Conditions:
RYR1-related disorder. Also called: RYR1-related disorders; RYR1-related condition. Identifiers: MedGen CN239331.
Malignant hyperthermia of anesthesia. Also called: Anesthesic-triggered malignant hyperthermia. Identifiers: Orphanet 423, MedGen C0024591, MONDO:0018493, HP:0034733.
Malignant hyperthermia, susceptibility to, 1 (MHS1). Also called: Malignant hyperthermia suceptibility 1; RYR1-Related Malignant Hyperthermia Susceptibility; Anesthesia related hyperthermia; Malignant hyperpyrexia; Fulminating hyperpyrexia; Pharmacogenic myopathy. Identifiers: Orphanet 423, MedGen C2930980, MONDO:0007783, OMIM 145600.

Allele frequency attached by ClinVar (database versions not stated): ExAC 0.00001; gnomAD 0.00001; gnomAD exomes 0.00001; TOPMed 0.00002; ESP Exome Variant Server 0.00008.
gnomAD v4.1: 20 of 1,613,362 alleles (0.0012%); highest among the groups gnomAD compares: Non-Finnish European, 0.0016%; no homozygotes.

Submissions (3):

ClinGen Malignant Hyperthermia Susceptibility Variant Curation Expert Panel, ClinGen
Classification: Uncertain significance for Malignant hyperthermia of anesthesia. Last evaluated: 2025-08-01. Review status: reviewed by expert panel. Criteria: ClinGen MHS ACMG Specifications V2. Collection method: curation. Allele origin: germline. Inheritance: Autosomal dominant inheritance.
Comment: This pathogenicity assessment is relevant only for malignant hyperthermia susceptibility (MHS) inherited in an autosomal dominant pattern. Variants in RYR1 can also cause other myopathies inherited in an autosomal dominant pattern or in an autosomal recessive pattern. Some of these disorders may predispose individuals to malignant hyperthermia. RYR1 variants may also contribute to a malignant hyperthermia reaction in combination with other genetic and non-genetic factors and the clinician needs to consider such factors in making management decisions. This sequence variant predicts a substitution of cysteine with arginine at codon 1781 of the RYR1 protein, p.(Cys1781Arg). The maximum allele frequency for this variant among the six major gnomAD populations is NFE: 0.000018, a frequency consistent with pathogenicity for MHS. This variant has been reported in an individual with a personal or family history of an MH episode and a positive in vitro contracture test (IVCT) or caffeine halothane contracture test (CHCT) result (if the proband was unavailable for testing, a positive diagnostic test result in a mutation-positive relative was counted), PS4_Supporting (PMID:30236257). No functional studies were identified for this variant. This variant does not reside in a hotspot for pathogenic variants that contribute to MHS. A REVEL score <0.5 (0.298) supports a benign status for this variant, BP4. This variant has been classified as a Variant of Uncertain Significance. Criteria implemented: PS4_Supporting, BP4.

All of Us Research Program, National Institutes of Health
Classification: Uncertain significance for Malignant hyperthermia, susceptibility to, 1. Last evaluated: 2024-09-23. Review status: criteria provided, single submitter. Criteria: ACMG Guidelines, 2015. Collection method: clinical testing. Allele origin: germline. Inheritance: Autosomal dominant inheritance. Observed: 3 variant alleles, 3 heterozygotes. Not counted in ClinVar's aggregate classification.
Comment: This missense variant replaces cysteine with arginine at codon 1781 of the RYR1 protein. Computational prediction suggests that this variant may not impact protein structure and function. To our knowledge, functional studies have not been reported for this variant. This variant has not been reported in individuals affected with RYR1-related disorders in the literature. This variant has been identified in 3/244738 chromosomes in the general population by the Genome Aggregation Database (gnomAD). The available evidence is insufficient to determine the role of this variant in disease conclusively. Therefore, this variant is classified as a Variant of Uncertain Significance.

This study involves interpretation of variants in research participants for the purpose of population health screening. Participant phenotype was not available at the time of variant classification. Additional details can be found in publication PMID: 35346344, PMCID: PMC8962531

Labcorp Genetics (formerly Invitae), Labcorp
Classification: Uncertain significance for RYR1-related disorder. Last evaluated: 2021-08-30. Review status: criteria provided, single submitter. Criteria: Invitae Variant Classification Sherloc (09022015). Collection method: clinical testing. Allele origin: germline. Not counted in ClinVar's aggregate classification.
Comment: This sequence change replaces cysteine with arginine at codon 1781 of the RYR1 protein (p.Cys1781Arg). The cysteine residue is highly conserved and there is a large physicochemical difference between cysteine and arginine. This variant is present in population databases (rs372958050, ExAC 0.002%). This variant has not been reported in the literature in individuals affected with RYR1-related conditions. Algorithms developed to predict the effect of missense changes on protein structure and function are either unavailable or do not agree on the potential impact of this missense change (SIFT: "Deleterious"; PolyPhen-2: "Benign"; Align-GVGD: "Class C0"). In summary, the available evidence is currently insufficient to determine the role of this variant in disease. Therefore, it has been classified as a Variant of Uncertain Significance.

NM_000540.3(RYR1):c.5341T>C (p.Cys1781Arg)

Gene: RYR1 (ryanodine receptor 1; plus strand). Cytogenetic location: 19q13.2.
Variant type: single nucleotide variant.
Coding change: c.5341T>C on transcript NM_000540.3 (MANE Select); coding-DNA position 5341, T replaced by C.
Protein change: p.Cys1781Arg; replaces cysteine 1781 with arginine.
Molecular consequence: missense variant.
Genome position (GRCh38, 1-based): chr19:38,485,996, T>C. VCF-style: chr19-38485996-T-C. GRCh37 (hg19) VCF-style: chr19-38976636-T-C.
Other names: NM_001042723.2:c.5341T>C; c.5341T>C, p.Cys1781Arg (NM_001042723.2); short protein forms C1781R.
Identifiers: ClinVar variation 1009683 (VCV001009683.11), dbSNP rs372958050, ClinGen allele CA066926.